The following is an entry in ClinVar:

NM_005629.4(SLC6A8):c.8A>G (p.Lys3Arg)

Gene: SLC6A8 (solute carrier family 6 member 8; plus strand). Cytogenetic location: Xq28.
Variant type: single nucleotide variant.
Coding change: c.8A>G on transcript NM_005629.4 (MANE Select); coding-DNA position 8, A replaced by G.
Protein change: p.Lys3Arg; replaces lysine 3 with arginine.
Molecular consequence: missense variant.
Genome position (GRCh38, 1-based): chrX:153,688,582, A>G. VCF-style: chrX-153688582-A-G. GRCh37 (hg19) VCF-style: chrX-152954037-A-G.
Other names: c.8A>G, p.Lys3Arg (NM_001142805.2); short protein forms K3R.
Identifiers: ClinVar variation 3730859 (VCV003730859.1).

ClinVar aggregate classification (germline): Uncertain significance (1 of 4 stars; one submission).

Submission:

GeneDx
Classification: Uncertain significance. Last evaluated: 2024-08-16. Review status: criteria provided, single submitter. Criteria: GeneDx Variant Classification Process June 2021. Collection method: clinical testing. Allele origin: germline. Affected: yes.
Comment: Not observed at significant frequency in large population cohorts (gnomAD); In silico analysis indicates that this missense variant does not alter protein structure/function; Has not been previously published as pathogenic or benign to our knowledge